The following is an entry in ClinVar:

NM_000548.5(TSC2):c.2258C>G (p.Ala753Gly)

Gene: TSC2 (TSC complex subunit 2; plus strand). Cytogenetic location: 16p13.3.
Variant type: single nucleotide variant.
Coding change: c.2258C>G on transcript NM_000548.5 (MANE Select); coding-DNA position 2258, C replaced by G.
Protein change: p.Ala753Gly; replaces alanine 753 with glycine.
Molecular consequence: missense variant. On other transcripts: non-coding transcript variant (5).
Genome position (GRCh38, 1-based): chr16:2,072,886, C>G. VCF-style: chr16-2072886-C-G. GRCh37 (hg19) VCF-style: chr16-2122887-C-G.
Other names: c.2258C>G, p.Ala753Gly (NM_001077183.3, NM_001114382.3, NM_001363528.2 and 6 more transcripts); c.2147C>G, p.Ala716Gly (NM_001318827.2, NM_001406670.1, NM_001406678.1); c.2111C>G, p.Ala704Gly (NM_001318829.2, NM_001406675.1, NM_001406676.1 and 1 more transcripts); c.1658C>G, p.Ala553Gly (NM_001318831.2, NM_001406680.1, NM_001406682.1 and 6 more transcripts); c.2291C>G, p.Ala764Gly (NM_001318832.2); c.2348C>G, p.Ala783Gly (NM_001406667.1, NM_001406668.1); c.2246C>G, p.Ala749Gly (NM_001406671.1, NM_001406673.1); c.2201C>G, p.Ala734Gly (NM_001406677.1); and 3 more; short protein forms A219G, A305G, A553G, A599G, A704G, A716G, A734G, A749G.
Identifiers: ClinVar variation 3903144 (VCV003903144.1).

ClinVar aggregate classification (germline): Uncertain significance (1 of 4 stars; one submission).

Submission:

GeneDx
Classification: Uncertain significance. Last evaluated: 2024-12-16. Review status: criteria provided, single submitter. Criteria: GeneDx Variant Classification Process June 2021. Collection method: clinical testing. Allele origin: germline. Affected: yes.
Comment: Not observed at significant frequency in large population cohorts (gnomAD); In silico analysis indicates that this missense variant does not alter protein structure/function; Has not been previously published as pathogenic or benign to our knowledge